The following is an entry in ClinVar:

ClinVar aggregate classification (germline): Uncertain significance. Review status: criteria provided, multiple submitters, no conflicts (2 of 4 stars). 3 submissions from 3 submitters: Uncertain significance (3). Last evaluated 2025-08-03.

Conditions:
Inborn genetic diseases. Identifiers: MedGen C0950123, MeSH D030342.
Propionic acidemia (PROP). Also called: GLYCINEMIA, KETOTIC; HYPERGLYCINEMIA WITH KETOACIDOSIS AND LEUKOPENIA; KETOTIC HYPERGLYCINEMIA. Identifiers: Orphanet 35, MedGen C0268579, MONDO:0011628, OMIM 606054, HP:0003571.

Allele frequency attached by ClinVar (database versions not stated): gnomAD exomes 0.00002 and 0.00005; TOPMed 0.00002; gnomAD 0.00003; ExAC 0.00004; ESP Exome Variant Server 0.00008.
gnomAD v4.1: 68 of 1,562,406 alleles (0.0044%); highest among the groups gnomAD compares: Non-Finnish European, 0.0055%; no homozygotes.

Submissions (3):

Ambry Genetics
Classification: Uncertain significance for Inborn genetic diseases. Last evaluated: 2025-08-03. Review status: criteria provided, single submitter. Criteria: Ambry Variant Classification Scheme 2023. Collection method: clinical testing. Allele origin: germline.

GeneDx
Classification: Uncertain significance. Last evaluated: 2024-09-13. Review status: criteria provided, single submitter. Criteria: GeneDx Variant Classification Process June 2021. Collection method: clinical testing. Allele origin: germline.
Comment: Not observed at significant frequency in large population cohorts (gnomAD); In silico analysis supports that this missense variant has a deleterious effect on protein structure/function; Has not been previously published as pathogenic or benign to our knowledge

Labcorp Genetics (formerly Invitae), Labcorp
Classification: Uncertain significance for Propionic acidemia. Last evaluated: 2023-12-19. Review status: criteria provided, single submitter. Criteria: Invitae Variant Classification Sherloc (09022015). Collection method: clinical testing. Allele origin: germline.
Comment: This sequence change replaces asparagine, which is neutral and polar, with aspartic acid, which is acidic and polar, at codon 159 of the PCCB protein (p.Asn159Asp). This variant is present in population databases (rs373189621, gnomAD 0.005%). This variant has not been reported in the literature in individuals affected with PCCB-related conditions. ClinVar contains an entry for this variant (Variation ID: 1409429). Advanced modeling of protein sequence and biophysical properties (such as structural, functional, and spatial information, amino acid conservation, physicochemical variation, residue mobility, and thermodynamic stability) performed at Invitae indicates that this missense variant is expected to disrupt PCCB protein function with a positive predictive value of 95%. In summary, the available evidence is currently insufficient to determine the role of this variant in disease. Therefore, it has been classified as a Variant of Uncertain Significance.

NM_000532.5(PCCB):c.475A>G (p.Asn159Asp)

Gene: PCCB (propionyl-CoA carboxylase subunit beta; plus strand). Cytogenetic location: 3q22.3.
Variant type: single nucleotide variant.
Coding change: c.475A>G on transcript NM_000532.5 (MANE Select); coding-DNA position 475, A replaced by G.
Protein change: p.Asn159Asp; replaces asparagine 159 with aspartic acid.
Molecular consequence: missense variant.
Genome position (GRCh38, 1-based): chr3:136,261,997, A>G. VCF-style: chr3-136261997-A-G. GRCh37 (hg19) VCF-style: chr3-135980839-A-G.
Other names: c.535A>G, p.Asn179Asp (NM_001178014.2); c.475A>G (NM_000532.4); short protein forms N179D, N159D.
Identifiers: ClinVar variation 1409429 (VCV001409429.6), dbSNP rs373189621, ClinGen allele CA2631755.